The following is an entry in ClinVar:

ClinVar aggregate classification (germline): Likely benign (1 of 4 stars; one submission).

gnomAD v4.1: 506 of 1,586,342 alleles (0.032%); highest among the groups gnomAD compares: African/African-American, 0.18%; 1 homozygote.

Submission:

CeGaT Center for Human Genetics Tuebingen
Classification: Likely benign. Last evaluated: 2025-10-01. Review status: criteria provided, single submitter. Criteria: CeGaT Center For Human Genetics Tuebingen Variant Classification Criteria Version 2. Collection method: clinical testing. Allele origin: germline. Affected: yes. Observed: 1 variant allele.
Comment: PLXNB2: BP4, BP7

NM_012401.4(PLXNB2):c.1497C>T (p.Ala499=)

Gene: PLXNB2 (plexin B2; minus strand). Cytogenetic location: 22q13.33.
Variant type: single nucleotide variant.
Coding change: c.1497C>T on transcript NM_012401.4 (MANE Select); coding-DNA position 1497, C replaced by T.
Protein change: p.Ala499=; no amino-acid change (alanine 499 retained).
Molecular consequence: synonymous variant.
Genome position (GRCh38, 1-based): chr22:50,287,778, G>A on the plus strand (C>T on the coding strand, the complement: PLXNB2 is on the minus strand). VCF-style: chr22-50287778-G-A. GRCh37 (hg19) VCF-style: chr22-50726207-G-A.
Other names: c.1497C>T, p.Ala499= (NM_001376864.1, NM_001376865.1, NM_001376866.1 and 20 more transcripts).
Identifiers: ClinVar variation 4533867 (VCV004533867.6).